The following is an entry in ClinVar:

ClinVar aggregate classification (germline): not provided (0 of 4 stars; one submission).

Allele frequency attached by ClinVar (database versions not stated): 1000 Genomes Project 30x 0.00016; 1000 Genomes Project 0.00020; TOPMed 0.00040; gnomAD 0.00043.
gnomAD v4.1: 609 of 1,219,098 alleles (0.05%); highest among the groups gnomAD compares: Non-Finnish European, 0.064%; no homozygotes.

Submission:

Human Evolutionary Genetics, Institut Pasteur
No classification provided. Review status: no classification provided. Collection method: not provided. Allele origin: germline.
ClinVar note: Converted during submission from untested to not provided.

NM_001243133.2(NLRP3):c.398-85C>T

Gene: NLRP3 (NLR family pyrin domain containing 3; plus strand). Cytogenetic location: 1q44.
Variant type: single nucleotide variant.
Coding change: c.398-85C>T on transcript NM_001243133.2 (MANE Select); 85 bases into the intron before coding-DNA position 398, C replaced by T.
Molecular consequence: intron variant.
Genome position (GRCh38, 1-based): chr1:247,423,762, C>T. VCF-style: chr1-247423762-C-T. GRCh37 (hg19) VCF-style: chr1-247587064-C-T.
Other names: c.404-85C>T (NM_004895.5); c.398-85C>T (NM_001127461.3, NM_001127462.3, NM_183395.3 and 1 more transcripts).
Identifiers: ClinVar variation 103045 (VCV000103045.2), dbSNP rs199475732, ClinGen allele CA230012.